The following is an entry in ClinVar:

ClinVar aggregate classification (germline): Uncertain significance. Review status: criteria provided, multiple submitters, no conflicts (2 of 4 stars). 2 submissions from 2 submitters: Uncertain significance (2). Last evaluated 2025-08-21.

Conditions:
Inborn genetic diseases. Identifiers: MedGen C0950123, MeSH D030342.

gnomAD v4.1: 2 of 1,611,190 alleles (0.00012%); highest among the groups gnomAD compares: African/African-American, 0.0027%; no homozygotes.

Submissions (2):

Ambry Genetics
Classification: Uncertain significance for Inborn genetic diseases. Last evaluated: 2025-08-21. Review status: criteria provided, single submitter. Criteria: Ambry Variant Classification Scheme 2023. Collection method: clinical testing. Allele origin: germline.

Labcorp Genetics (formerly Invitae), Labcorp
Classification: Uncertain significance. Last evaluated: 2024-04-05. Review status: criteria provided, single submitter. Criteria: Invitae Variant Classification Sherloc (09022015). Collection method: clinical testing. Allele origin: germline.
Comment: This sequence change replaces tyrosine, which is neutral and polar, with cysteine, which is neutral and slightly polar, at codon 594 of the FAM161A protein (p.Tyr594Cys). This variant is not present in population databases (gnomAD no frequency). This variant has not been reported in the literature in individuals affected with FAM161A-related conditions. ClinVar contains an entry for this variant (Variation ID: 1520786). Advanced modeling of protein sequence and biophysical properties (such as structural, functional, and spatial information, amino acid conservation, physicochemical variation, residue mobility, and thermodynamic stability) performed at Invitae indicates that this missense variant is expected to disrupt FAM161A protein function with a positive predictive value of 80%. In summary, the available evidence is currently insufficient to determine the role of this variant in disease. Therefore, it has been classified as a Variant of Uncertain Significance.

NM_001201543.2(FAM161A):c.1781A>G (p.Tyr594Cys)

Gene: FAM161A (FAM161 centrosomal protein A; minus strand). Cytogenetic location: 2p15.
Variant type: single nucleotide variant.
Coding change: c.1781A>G on transcript NM_001201543.2 (MANE Select); coding-DNA position 1781, A replaced by G.
Protein change: p.Tyr594Cys; replaces tyrosine 594 with cysteine.
Molecular consequence: missense variant. On other transcripts: non-coding transcript variant (1).
Genome position (GRCh38, 1-based): chr2:61,836,080, T>C on the plus strand (A>G on the coding strand, the complement: FAM161A is on the minus strand). VCF-style: chr2-61836080-T-C. GRCh37 (hg19) VCF-style: chr2-62063215-T-C.
Other names: c.1613A>G, p.Tyr538Cys (NM_032180.3); c.1781A>G (NM_001201543.1); short protein forms Y538C, Y594C.
Identifiers: ClinVar variation 1520786 (VCV001520786.6), dbSNP rs371402713, ClinGen allele CA346985761.
Genomic context (GRCh38, chr2:61,836,080, plus strand): 5'-CTTTCAAATAGCAGTGGCCTCTTTTTTAATTTTTCTTCTCTTTCTTCTAGTTCTCGTTGG[T>C]ATTCTCTCATCCTTTCCTTTTCGCTCTTTCTAAAATTAAAGAAAAGCAATGGAATTTTAA-3'
Protein context (NP_001188472.1, residues 584-604): RKSEKERMRE[Tyr594Cys]QRELEEREEK